The following is an entry in ClinVar:

ClinVar aggregate classification (germline): Uncertain significance (1 of 4 stars; one submission).

Conditions:
Nemaline myopathy 10 (NEM10). Identifiers: MedGen C4015360, MONDO:0014513, OMIM 616165.

Allele frequency attached by ClinVar (database versions not stated): gnomAD exomes below 0.00001.
gnomAD v4.1: 2 of 1,574,604 alleles (0.00013%); highest among the groups gnomAD compares: East Asian, 0.0023%; no homozygotes.

Submission:

Labcorp Genetics (formerly Invitae), Labcorp
Classification: Uncertain significance for Nemaline myopathy 10. Last evaluated: 2023-08-07. Review status: criteria provided, single submitter. Criteria: Invitae Variant Classification Sherloc (09022015). Collection method: clinical testing. Allele origin: germline.
Comment: In summary, the available evidence is currently insufficient to determine the role of this variant in disease. Therefore, it has been classified as a Variant of Uncertain Significance. Algorithms developed to predict the effect of missense changes on protein structure and function output the following: SIFT: "Not Available"; PolyPhen-2: "Benign"; Align-GVGD: "Not Available". The glutamine amino acid residue is found in multiple mammalian species, which suggests that this missense change does not adversely affect protein function. This variant has not been reported in the literature in individuals affected with LMOD3-related conditions. This variant is present in population databases (no rsID available, gnomAD 0.008%). This sequence change replaces lysine, which is basic and polar, with glutamine, which is neutral and polar, at codon 135 of the LMOD3 protein (p.Lys135Gln).

NM_198271.5(LMOD3):c.403A>C (p.Lys135Gln)

Gene: LMOD3 (leiomodin 3; minus strand). Cytogenetic location: 3p14.1.
Variant type: single nucleotide variant.
Coding change: c.403A>C on transcript NM_198271.5 (MANE Select); coding-DNA position 403, A replaced by C.
Protein change: p.Lys135Gln; replaces lysine 135 with glutamine.
Molecular consequence: missense variant.
Genome position (GRCh38, 1-based): chr3:69,119,952, T>G on the plus strand (A>C on the coding strand, the complement: LMOD3 is on the minus strand). VCF-style: chr3-69119952-T-G. GRCh37 (hg19) VCF-style: chr3-69169103-T-G.
Other names: c.403A>C, p.Lys135Gln (NM_001304418.3); short protein forms K135Q.
Identifiers: ClinVar variation 2741896 (VCV002741896.3), dbSNP rs1381505205, ClinGen allele CA353476933.